The following is an entry in ClinVar:

ClinVar aggregate classification (germline): Likely benign (1 of 4 stars; one submission).

gnomAD v4.1: 20 of 1,495,192 alleles (0.0013%); highest among the groups gnomAD compares: African/African-American, 0.011%; no homozygotes.

Submission:

Center for Genomic Medicine, Rigshospitalet, Copenhagen University Hospital
Classification: Likely benign. Last evaluated: 2025-12-29. Review status: criteria provided, single submitter. Criteria: ACMG Guidelines, 2015. Collection method: clinical testing. Allele origin: germline.
Comment: Classification criteria: BP4, BP7

NM_002439.5(MSH3):c.1653+36G>C

Gene: MSH3 (mutS homolog 3; plus strand). Cytogenetic location: 5q14.1.
Variant type: single nucleotide variant.
Coding change: c.1653+36G>C on transcript NM_002439.5 (MANE Select); 36 bases into the intron after coding-DNA position 1653, G replaced by C.
Molecular consequence: intron variant.
Genome position (GRCh38, 1-based): chr5:80,741,584, G>C. VCF-style: chr5-80741584-G-C. GRCh37 (hg19) VCF-style: chr5-80037403-G-C.
Identifiers: ClinVar variation 4539440 (VCV004539440.1).